The following is an entry in ClinVar:

NM_000535.7(PMS2):c.611A>C (p.Asn204Thr)

Gene: PMS2 (PMS1 homolog 2, mismatch repair system component; minus strand). Cytogenetic location: 7p22.1.
Variant type: single nucleotide variant.
Coding change: c.611A>C on transcript NM_000535.7 (MANE Select); coding-DNA position 611, A replaced by C.
Protein change: p.Asn204Thr; replaces asparagine 204 with threonine.
Molecular consequence: missense variant. On other transcripts: 5 prime UTR variant (2), non-coding transcript variant (1), intron variant (9).
Genome position (GRCh38, 1-based): chr7:5,999,202, T>G on the plus strand (A>C on the coding strand, the complement: PMS2 is on the minus strand). VCF-style: chr7-5999202-T-G. GRCh37 (hg19) VCF-style: chr7-6038833-T-G.
Other names: c.206A>C, p.Asn69Thr (NM_001322003.2, NM_001322004.2, NM_001322005.2 and 19 more transcripts); c.611A>C, p.Asn204Thr (NM_001322006.2, NM_001322014.2, NM_001406870.1 and 4 more transcripts); c.293A>C, p.Asn98Thr (NM_001322007.2, NM_001322008.2, NM_001406876.1 and 4 more transcripts); c.-323A>C (NM_001322011.2, NM_001322012.2); c.302A>C, p.Asn101Thr (NM_001322015.2, NM_001406875.1, NM_001406877.1 and 6 more transcripts); c.797A>C, p.Asn266Thr (NM_001406866.1); c.635A>C, p.Asn212Thr (NM_001406868.1); c.275A>C, p.Asn92Thr (NM_001406885.1); and 6 more; short protein forms N212T, N69T, N101T, N204T, N266T, N92T, N98T.
Identifiers: ClinVar variation 3421521 (VCV003421521.1).
Genomic context (GRCh38, chr7:5,999,202, plus strand): 5'-TTTATGCTGGGGCTTCCACCTGTGCATACCACAGGCTGTCGTTTTCCTTGTCCAAGCTGA[T>G]TGGTGCAACTTACACGGATGCCTGCTGAAATGATACAGTATGCATGTAAGACCTGGACCA-3'
Protein context (NP_000526.2, residues 194-214): ISAGIRVSCT[Asn204Thr]QLGQGKRQPV

ClinVar aggregate classification (germline): Uncertain significance (1 of 4 stars; one submission).

Conditions:
Hereditary cancer-predisposing syndrome. Also called: Neoplastic Syndromes, Hereditary; Tumor predisposition; Hereditary Cancer Syndrome; Hereditary neoplastic syndrome. Identifiers: Orphanet 140162, MedGen C0027672, MeSH D009386, MONDO:0015356.

Submission:

Ambry Genetics
Classification: Uncertain significance for Hereditary cancer-predisposing syndrome. Last evaluated: 2024-10-05. Review status: criteria provided, single submitter. Criteria: Ambry Variant Classification Scheme 2023. Collection method: clinical testing. Allele origin: germline.
Comment: The p.N204T variant (also known as c.611A>C), located in coding exon 6 of the PMS2 gene, results from an A to C substitution at nucleotide position 611. The asparagine at codon 204 is replaced by threonine, an amino acid with similar properties. This amino acid position is conserved. In addition, the in silico prediction for this alteration is inconclusive. Based on the available evidence, the clinical significance of this variant remains unclear.